The following is an entry in ClinVar:

ClinVar aggregate classification (germline): Uncertain significance. Review status: criteria provided, multiple submitters, no conflicts (2 of 4 stars). 2 submissions from 2 submitters: Uncertain significance (2). Last evaluated 2025-08-20.

Conditions:
Cardiovascular phenotype. Identifiers: MedGen CN230736.
Brugada syndrome. Also called: Sudden unexpected nocturnal death syndrome; Sudden unexplained nocturnal death syndrome; Sudden Unexplained Death Syndrome; Sudden Unexplained Nocturnal Death Syndrome (SUNDS). Identifiers: Orphanet 130, MedGen C1142166, MONDO:0015263.

Allele frequency attached by ClinVar (database versions not stated): ExAC 0.00002; TOPMed 0.00003; gnomAD 0.00005.
gnomAD v4.1: 36 of 1,614,062 alleles (0.0022%); highest among the groups gnomAD compares: African/African-American, 0.023%; no homozygotes.

Submissions (2):

Labcorp Genetics (formerly Invitae), Labcorp
Classification: Uncertain significance for Brugada syndrome. Last evaluated: 2025-08-20. Review status: criteria provided, single submitter. Criteria: Invitae Variant Classification Sherloc (09022015). Collection method: clinical testing. Allele origin: germline.
Comment: This sequence change replaces arginine, which is basic and polar, with glutamine, which is neutral and polar, at codon 352 of the KCNJ8 protein (p.Arg352Gln). This variant is present in population databases (rs747622709, gnomAD 0.02%). This variant has not been reported in the literature in individuals affected with KCNJ8-related conditions. ClinVar contains an entry for this variant (Variation ID: 1778395). Invitae Evidence Modeling of protein sequence and biophysical properties (such as structural, functional, and spatial information, amino acid conservation, physicochemical variation, residue mobility, and thermodynamic stability) indicates that this missense variant is not expected to disrupt KCNJ8 protein function with a negative predictive value of 80%. In summary, the available evidence is currently insufficient to determine the role of this variant in disease. Therefore, it has been classified as a Variant of Uncertain Significance.

Ambry Genetics
Classification: Uncertain significance for Cardiovascular phenotype. Last evaluated: 2024-01-31. Review status: criteria provided, single submitter. Criteria: Ambry Variant Classification Scheme 2023. Collection method: clinical testing. Allele origin: germline.
Comment: The p.R352Q variant (also known as c.1055G>A), located in coding exon 2 of the KCNJ8 gene, results from a G to A substitution at nucleotide position 1055. The arginine at codon 352 is replaced by glutamine, an amino acid with highly similar properties. In one study, this variant was identified in an exome cohort, and was not associated with J-point elevation (Ghouse J et al. Genet. Med., 2017 05;19:521-528). This amino acid position is well conserved in available vertebrate species. In addition, this alteration is predicted to be tolerated by in silico analysis. Since supporting evidence is limited at this time, the clinical significance of this alteration remains unclear.

Literature cited by the submitters: PubMed 27711072 (cited by Ambry Genetics).

NM_004982.4(KCNJ8):c.1055G>A (p.Arg352Gln)

Genes: KCNJ8 (potassium inwardly rectifying channel subfamily J member 8; minus strand), KCNJ8-AS1 (KCNJ8 antisense RNA 1; plus strand). Cytogenetic location: 12p12.1.
Variant type: single nucleotide variant.
Coding change: c.1055G>A on transcript NM_004982.4 (MANE Select); coding-DNA position 1055, G replaced by A.
Protein change: p.Arg352Gln; replaces arginine 352 with glutamine.
Molecular consequence: missense variant.
Genome position (GRCh38, 1-based): chr12:21,765,943, C>T on the plus strand (G>A on the coding strand, the complement: KCNJ8 is on the minus strand). VCF-style: chr12-21765943-C-T. GRCh37 (hg19) VCF-style: chr12-21918877-C-T.
Identifiers: ClinVar variation 1778395 (VCV001778395.7), dbSNP rs747622709, ClinGen allele CA6480629.